The following is an entry in ClinVar:

ClinVar aggregate classification (germline): Likely benign (1 of 4 stars; one submission).

Submission:

GeneDx
Classification: Likely benign. Last evaluated: 2017-05-04. Review status: criteria provided, single submitter. Criteria: GeneDx Variant Classification (06012015). Collection method: clinical testing. Allele origin: germline. Affected: yes.
Comment: This variant is considered likely benign or benign based on one or more of the following criteria: it is a conservative change, it occurs at a poorly conserved position in the protein, it is predicted to be benign by multiple in silico algorithms, and/or has population frequency not consistent with disease.

NM_015141.4(GPD1L):c.336C>A (p.Pro112=)

Gene: GPD1L (glycerol-3-phosphate dehydrogenase 1 like; plus strand). Cytogenetic location: 3p22.3.
Variant type: single nucleotide variant.
Coding change: c.336C>A on transcript NM_015141.4 (MANE Select); coding-DNA position 336, C replaced by A.
Protein change: p.Pro112=; no amino-acid change (proline 112 retained).
Molecular consequence: synonymous variant.
Genome position (GRCh38, 1-based): chr3:32,138,697, C>A. VCF-style: chr3-32138697-C-A. GRCh37 (hg19) VCF-style: chr3-32180189-C-A.
Identifiers: ClinVar variation 509377 (VCV000509377.1), dbSNP rs1553659667, ClinGen allele CA432930755.